The following is an entry in ClinVar:

NM_015021.3(ZNF292):c.3797C>T (p.Pro1266Leu)

Gene: ZNF292 (zinc finger protein 292; plus strand). Cytogenetic location: 6q14.3.
Variant type: single nucleotide variant.
Coding change: c.3797C>T on transcript NM_015021.3 (MANE Select); coding-DNA position 3797, C replaced by T.
Protein change: p.Pro1266Leu; replaces proline 1266 with leucine.
Molecular consequence: missense variant.
Genome position (GRCh38, 1-based): chr6:87,257,426, C>T. VCF-style: chr6-87257426-C-T. GRCh37 (hg19) VCF-style: chr6-87967144-C-T.
Other names: c.3377C>T, p.Pro1126Leu (NM_001351444.2); short protein forms P1126L, P1266L.
Identifiers: ClinVar variation 1804393 (VCV001804393.2), dbSNP rs2482318800, ClinGen allele CA364924164.

ClinVar aggregate classification (germline): Uncertain significance (1 of 4 stars; one submission).

Submission:

GeneDx
Classification: Uncertain significance. Last evaluated: 2024-02-14. Review status: criteria provided, single submitter. Criteria: GeneDx Variant Classification Process June 2021. Collection method: clinical testing. Allele origin: germline.
Comment: Not observed at significant frequency in large population cohorts (gnomAD); In silico analysis supports that this missense variant does not alter protein structure/function; Has not been previously published as pathogenic or benign to our knowledge